The following is an entry in ClinVar:

NM_001972.4(ELANE):c.269C>A (p.Ser90Ter)

Gene: ELANE (elastase, neutrophil expressed; plus strand). Cytogenetic location: 19p13.3.
Variant type: single nucleotide variant.
Coding change: c.269C>A on transcript NM_001972.4 (MANE Select); coding-DNA position 269, C replaced by A.
Protein change: p.Ser90Ter; replaces serine 90 with a stop codon.
Molecular consequence: nonsense.
Genome position (GRCh38, 1-based): chr19:853,306, C>A. VCF-style: chr19-853306-C-A. GRCh37 (hg19) VCF-style: chr19-853306-C-A.
Other names: short protein forms S90*.
Identifiers: ClinVar variation 2922567 (VCV002922567.3), dbSNP rs890280050, ClinGen allele CA402915923.
Genomic context (GRCh38, chr19:853,306, plus strand): 5'-TCTCCCTCCCCGGCAGAAACGTCCGCGCGGTGCGGGTGGTCCTGGGAGCCCATAACCTCT[C>A]GCGGCGGGAGCCCACCCGGCAGGTGTTCGCCGTGCAGCGCATCTTCGAAAACGGCTACGA-3'

ClinVar aggregate classification (germline): Uncertain significance (1 of 4 stars; one submission).

Conditions:
Neutropenia, severe congenital, 1, autosomal dominant. Identifiers: MedGen C1859966, MONDO:0042490, OMIM 202700.
Cyclical neutropenia. Also called: Cyclic hematopoiesis; Cyclic Neutropenia. Identifiers: Orphanet 2686, MedGen C0221023, MONDO:0008090, OMIM 162800, HP:0040289. Disease mechanism: loss of function.

Submission:

Labcorp Genetics (formerly Invitae), Labcorp
Classification: Uncertain significance for Neutropenia, severe congenital, 1, autosomal dominant; Cyclical neutropenia. Last evaluated: 2024-12-14. Review status: criteria provided, single submitter. Criteria: Invitae Variant Classification Sherloc (09022015). Collection method: clinical testing. Allele origin: germline.
Comment: This sequence change creates a premature translational stop signal (p.Ser90*) in the ELANE gene. It is expected to result in an absent or disrupted protein product. However, the current clinical and genetic evidence is not sufficient to establish whether loss-of-function variants in ELANE cause disease. This variant is not present in population databases (gnomAD no frequency). This variant has not been reported in the literature in individuals affected with ELANE-related conditions. ClinVar contains an entry for this variant (Variation ID: 2922567). In summary, the available evidence is currently insufficient to determine the role of this variant in disease. Therefore, it has been classified as a Variant of Uncertain Significance.